The following is an entry in ClinVar:

ClinVar aggregate classification (germline): Uncertain significance. Review status: criteria provided, multiple submitters, no conflicts (2 of 4 stars). 3 submissions from 3 submitters: Uncertain significance (2). 1 of the submissions does not count toward it. Last evaluated 2025-08-31.

Conditions:
MRAP2-related disorder. Also called: MRAP2-related condition.

gnomAD v4.1: 11 of 1,614,096 alleles (0.00068%); highest among the groups gnomAD compares: African/African-American, 0.0093%; no homozygotes.

Submissions (3):

Ambry Genetics
Classification: Uncertain significance. Last evaluated: 2025-08-31. Review status: criteria provided, single submitter. Criteria: Ambry Variant Classification Scheme 2023. Collection method: clinical testing. Allele origin: germline.

Labcorp Genetics (formerly Invitae), Labcorp
Classification: Uncertain significance. Last evaluated: 2025-05-25. Review status: criteria provided, single submitter. Criteria: Invitae Variant Classification Sherloc (09022015). Collection method: clinical testing. Allele origin: germline.
Comment: This sequence change replaces valine, which is neutral and non-polar, with isoleucine, which is neutral and non-polar, at codon 142 of the MRAP2 protein (p.Val142Ile). This variant is present in population databases (rs372243368, gnomAD 0.01%). This variant has not been reported in the literature in individuals affected with MRAP2-related conditions. ClinVar contains an entry for this variant (Variation ID: 3350477). An algorithm developed to predict the effect of missense changes on protein structure and function outputs the following: PolyPhen-2: "Benign". The isoleucine amino acid residue is found in multiple mammalian species, which suggests that this missense change does not adversely affect protein function. In summary, the available evidence is currently insufficient to determine the role of this variant in disease. Therefore, it has been classified as a Variant of Uncertain Significance.

PreventionGenetics, part of Exact Sciences
Classification: Uncertain significance for MRAP2-related condition. Last evaluated: 2024-09-16. Review status: no assertion criteria provided. Collection method: clinical testing. Allele origin: germline. Not counted in ClinVar's aggregate classification.
Comment: The MRAP2 c.424G>A variant is predicted to result in the amino acid substitution p.Val142Ile. To our knowledge, this variant has not been reported in the literature. This variant is reported in 0.012% of alleles in individuals of African descent in gnomAD. Although we suspect that this variant may be benign, at this time, the clinical significance of this variant is uncertain due to the absence of conclusive functional and genetic evidence.

NM_138409.4(MRAP2):c.424G>A (p.Val142Ile)

Gene: MRAP2 (melanocortin 2 receptor accessory protein 2; plus strand). Cytogenetic location: 6q14.2.
Variant type: single nucleotide variant.
Coding change: c.424G>A on transcript NM_138409.4 (MANE Select); coding-DNA position 424, G replaced by A.
Protein change: p.Val142Ile; replaces valine 142 with isoleucine.
Molecular consequence: missense variant.
Genome position (GRCh38, 1-based): chr6:84,089,287, G>A. VCF-style: chr6-84089287-G-A. GRCh37 (hg19) VCF-style: chr6-84799006-G-A.
Other names: c.166G>A, p.Val56Ile (NM_001346541.2); c.424G>A, p.Val142Ile (NM_001346542.2, NM_001346544.2); c.259G>A, p.Val87Ile (NM_001346543.2); c.424G>A (NM_138409.2); short protein forms V142I, V56I, V87I.
Identifiers: ClinVar variation 3350477 (VCV003350477.3).